The following is an entry in ClinVar:

ClinVar aggregate classification (germline): Uncertain significance (1 of 4 stars; one submission).

Conditions:
Marfan syndrome (MFS). Also called: FBN1-Related Marfan Syndrome; MARFAN SYNDROME, TYPE I; Marfan syndrome type 1; Marfan's syndrome; Marfan syndrome, classic. Identifiers: Orphanet 284963, Orphanet 558, MedGen C0024796, MONDO:0007947, OMIM 154700.
Familial thoracic aortic aneurysm and aortic dissection (TAAD). Also called: Thoracic aortic aneurysms and dissections. Identifiers: Orphanet 91387, MedGen C4707243, MONDO:0019625.

Submission:

Labcorp Genetics (formerly Invitae), Labcorp
Classification: Uncertain significance for Marfan syndrome; Familial thoracic aortic aneurysm and aortic dissection. Last evaluated: 2025-07-10. Review status: criteria provided, single submitter. Criteria: Invitae Variant Classification Sherloc (09022015). Collection method: clinical testing. Allele origin: germline.
Comment: This sequence change replaces proline, which is neutral and non-polar, with serine, which is neutral and polar, at codon 715 of the FBN1 protein (p.Pro715Ser). This variant is not present in population databases (gnomAD no frequency). This variant has not been reported in the literature in individuals affected with FBN1-related conditions. Invitae Evidence Modeling of protein sequence and biophysical properties (such as structural, functional, and spatial information, amino acid conservation, physicochemical variation, residue mobility, and thermodynamic stability) indicates that this missense variant is not expected to disrupt FBN1 protein function with a negative predictive value of 95%. In summary, the available evidence is currently insufficient to determine the role of this variant in disease. Therefore, it has been classified as a Variant of Uncertain Significance.

NM_000138.5(FBN1):c.2143C>T (p.Pro715Ser)

Gene: FBN1 (fibrillin 1; minus strand). Cytogenetic location: 15q21.1.
Variant type: single nucleotide variant.
Coding change: c.2143C>T on transcript NM_000138.5 (MANE Select); coding-DNA position 2143, C replaced by T.
Protein change: p.Pro715Ser; replaces proline 715 with serine.
Molecular consequence: missense variant.
Genome position (GRCh38, 1-based): chr15:48,499,009, G>A on the plus strand (C>T on the coding strand, the complement: FBN1 is on the minus strand). VCF-style: chr15-48499009-G-A. GRCh37 (hg19) VCF-style: chr15-48791206-G-A.
Other names: c.2143C>T, p.Pro715Ser (NM_001406716.1); short protein forms P715S.
Identifiers: ClinVar variation 4794288 (VCV004794288.1).
Genomic context (GRCh38, chr15:48,499,009, plus strand): 5'-ATACTGAAGGTAGTAAATTTTGAAAGGAATCCTTACCACTGCCTGCTGACGTCATTCCTG[G>A]CCCACTGCTGCAGAGTGCCTGATATTCCGCTGCAATAAATTAACAGATAGTAAATGATTC-3'
Protein context (NP_000129.3, residues 705-725): AEYQALCSSG[Pro715Ser]GMTSAGSDIN